The following is an entry in ClinVar:

ClinVar aggregate classification (germline): Benign/Likely benign. Review status: criteria provided, multiple submitters, no conflicts (2 of 4 stars). 4 submissions from 4 submitters: Benign (1); Likely benign (3). Last evaluated 2026-07-01.

Conditions:
Ullrich congenital muscular dystrophy 2 (UCMD2). Identifiers: Orphanet 75840, MedGen C4225314, MONDO:0014654, OMIM 616470.
Bethlem myopathy 2 (BTHLM2). Identifiers: Orphanet 536516, Orphanet 610, MedGen C4225313, MONDO:0034022, OMIM 616471.

Allele frequency attached by ClinVar (database versions not stated): ESP Exome Variant Server 0.00008; TOPMed 0.00012; gnomAD 0.00013 and 0.00020; ExAC 0.00033; gnomAD exomes 0.00037; 1000 Genomes Project 30x 0.00156; 1000 Genomes Project 0.00180.
gnomAD v4.1: 181 of 1,613,938 alleles (0.011%); highest among the groups gnomAD compares: East Asian, 0.19%; 2 homozygotes.

Submissions (4):

CeGaT Center for Human Genetics Tuebingen
Classification: Likely benign. Last evaluated: 2026-07-01. Review status: criteria provided, single submitter. Criteria: CeGaT Center For Human Genetics Tuebingen Variant Classification Criteria Version 2. Collection method: clinical testing. Allele origin: germline. Affected: yes. Observed: 1 variant allele.
Comment: COL12A1: BP4

Women's Health and Genetics/Laboratory Corporation of America, LabCorp
Classification: Likely benign. Last evaluated: 2026-04-06. Review status: criteria provided, single submitter. Criteria: LabCorp Variant Classification Summary - May 2015. Collection method: clinical testing. Allele origin: germline.

Labcorp Genetics (formerly Invitae), Labcorp
Classification: Benign for Bethlem myopathy 2; Ullrich congenital muscular dystrophy 2. Last evaluated: 2026-01-18. Review status: criteria provided, single submitter. Criteria: Invitae Variant Classification Sherloc (09022015). Collection method: clinical testing. Allele origin: germline.

Mayo Clinic Laboratories, Mayo Clinic
Classification: Likely benign. Last evaluated: 2025-06-13. Review status: criteria provided, single submitter. Criteria: ACMG Guidelines, 2015. Collection method: clinical testing. Allele origin: germline. Observed: 3 variant alleles.
Comment: BS1, BP4, BP7

NM_004370.6(COL12A1):c.5133C>T (p.Phe1711=)

Gene: COL12A1 (collagen type XII alpha 1 chain; minus strand). Cytogenetic location: 6q13.
Variant type: single nucleotide variant.
Coding change: c.5133C>T on transcript NM_004370.6 (MANE Select); coding-DNA position 5133, C replaced by T.
Protein change: p.Phe1711=; no amino-acid change (phenylalanine 1711 retained).
Molecular consequence: synonymous variant.
Genome position (GRCh38, 1-based): chr6:75,138,545, G>A on the plus strand (C>T on the coding strand, the complement: COL12A1 is on the minus strand). VCF-style: chr6-75138545-G-A. GRCh37 (hg19) VCF-style: chr6-75848261-G-A.
Other names: p.Phe1711=; c.1641C>T, p.Phe547= (NM_080645.3).
Identifiers: ClinVar variation 475872 (VCV000475872.15), dbSNP rs180961776, ClinGen allele CA3893242.